The following is an entry in ClinVar:

NM_006087.4(TUBB4A):c.1045G>A (p.Val349Met)

Gene: TUBB4A (tubulin beta 4A class IVa; minus strand). Cytogenetic location: 19p13.3.
Variant type: single nucleotide variant.
Coding change: c.1045G>A on transcript NM_006087.4 (MANE Select); coding-DNA position 1045, G replaced by A.
Protein change: p.Val349Met; replaces valine 349 with methionine.
Molecular consequence: missense variant.
Genome position (GRCh38, 1-based): chr19:6,495,454, C>T on the plus strand (G>A on the coding strand, the complement: TUBB4A is on the minus strand). VCF-style: chr19-6495454-C-T. GRCh37 (hg19) VCF-style: chr19-6495465-C-T.
Other names: c.1198G>A, p.Val400Met (NM_001289123.2); c.1180G>A, p.Val394Met (NM_001289127.2); c.1045G>A, p.Val349Met (NM_001289129.2); c.829G>A, p.Val277Met (NM_001289130.2, NM_001289131.2); short protein forms V400M, V277M, V349M, V394M.
Identifiers: ClinVar variation 2963795 (VCV002963795.3), dbSNP rs772279696, ClinGen allele CA9127284.

ClinVar aggregate classification (germline): Uncertain significance (1 of 4 stars; one submission).

Conditions:
Leukodystrophy, hypomyelinating, 6. Also called: Hypomyelination with Atrophy of Basal Ganglia and Cerebellum (H-ABC); LEUKODYSTROPHY, HYPOMYELINATING, WITH ATROPHY OF THE BASAL GANGLIA AND CEREBELLUM; TUBB4A-Associated Leukodystrophy. Identifiers: Orphanet 139441, MedGen C2676244, MONDO:0012905, OMIM 612438.

Allele frequency attached by ClinVar (database versions not stated): gnomAD exomes below 0.00001; ExAC 0.00001.

Submission:

Labcorp Genetics (formerly Invitae), Labcorp
Classification: Uncertain significance for Leukodystrophy, hypomyelinating, 6. Last evaluated: 2023-08-27. Review status: criteria provided, single submitter. Criteria: Invitae Variant Classification Sherloc (09022015). Collection method: clinical testing. Allele origin: germline.
Comment: This variant has not been reported in the literature in individuals affected with TUBB4A-related conditions. Advanced modeling of protein sequence and biophysical properties (such as structural, functional, and spatial information, amino acid conservation, physicochemical variation, residue mobility, and thermodynamic stability) performed at Invitae indicates that this missense variant is not expected to disrupt TUBB4A protein function. In summary, the available evidence is currently insufficient to determine the role of this variant in disease. Therefore, it has been classified as a Variant of Uncertain Significance. The frequency data for this variant in the population databases is considered unreliable, as metrics indicate poor data quality at this position in the gnomAD database. This sequence change replaces valine, which is neutral and non-polar, with methionine, which is neutral and non-polar, at codon 349 of the TUBB4A protein (p.Val349Met).